The following is an entry in ClinVar:

NM_014956.5(CEP164):c.2493+3G>A

Gene: CEP164 (centrosomal protein 164; plus strand). Cytogenetic location: 11q23.3.
Variant type: single nucleotide variant.
Coding change: c.2493+3G>A on transcript NM_014956.5 (MANE Select); 3 bases into the intron after coding-DNA position 2493, G replaced by A.
Molecular consequence: intron variant.
Genome position (GRCh38, 1-based): chr11:117,392,630, G>A. VCF-style: chr11-117392630-G-A. GRCh37 (hg19) VCF-style: chr11-117263346-G-A.
Other names: c.2502+3G>A (NM_001271933.2, NM_001440949.1); c.2334+3G>A (NM_001440972.1); c.2355+3G>A (NM_001440967.1, NM_001440961.1); c.2406+3G>A (NM_001440956.1, NM_001440957.1); c.2493+3G>A (NM_001440950.1, NM_001440953.1, NM_001440951.1); c.2346+3G>A (NM_001440962.1, NM_001440970.1, NM_001440964.1 and 4 more transcripts); c.2136+3G>A (NM_001440990.1, NM_001440984.1); c.2328+3G>A (NM_001440952.1, NM_001440968.1, NM_001440969.1); and 7 more.
Identifiers: ClinVar variation 4809459 (VCV004809459.1).
Genomic context (GRCh38, chr11:117,392,630, plus strand): 5'-GCAAGTGGAGCACAGAGTTCACCAGAAGTCTTATCACGTGGCTGGGTATGAGCACGAGGT[G>A]AGTGCTGCTCTGTCTTCCACAGTCGTGTGCGCCTGTTGTGGACTCTCTTACAGTCAGCTG-3'

ClinVar aggregate classification (germline): Uncertain significance (1 of 4 stars; one submission).

Conditions:
Nephronophthisis 15 (NPHP15). Identifiers: Orphanet 3156, MedGen C3541853, MONDO:0013917, OMIM 614845.

gnomAD v4.1: 1 of 1,613,672 alleles (0.000062%); no homozygotes.

Submission:

Labcorp Genetics (formerly Invitae), Labcorp
Classification: Uncertain significance for Nephronophthisis 15. Last evaluated: 2026-01-19. Review status: criteria provided, single submitter. Criteria: Invitae Variant Classification Sherloc (09022015). Collection method: clinical testing. Allele origin: germline.
Comment: This sequence change falls in intron 19 of the CEP164 gene. It does not directly change the encoded amino acid sequence of the CEP164 protein. It affects a nucleotide within the consensus splice site. This variant is present in population databases (no rsID available, gnomAD 0.0009%). This variant has not been reported in the literature in individuals affected with CEP164-related conditions. Variants that disrupt the consensus splice site are a relatively common cause of aberrant splicing (PMID: 17576681, 9536098). Algorithms developed to predict the effect of sequence changes on RNA splicing suggest that this variant is not likely to affect RNA splicing. In summary, the available evidence is currently insufficient to determine the role of this variant in disease. Therefore, it has been classified as a Variant of Uncertain Significance.

Literature cited by the submitters: PubMed 17576681; PubMed 9536098.